The following is an entry in ClinVar:

ClinVar aggregate classification (germline): Uncertain significance (1 of 4 stars; one submission).

Conditions:
Familial hemiplegic migraine. Identifiers: MedGen C0338484, MONDO:0000700.

Submission:

Labcorp Genetics (formerly Invitae), Labcorp
Classification: Uncertain significance for Familial hemiplegic migraine. Last evaluated: 2022-03-01. Review status: criteria provided, single submitter. Criteria: Invitae Variant Classification Sherloc (09022015). Collection method: clinical testing. Allele origin: germline.
Comment: This sequence change replaces threonine, which is neutral and polar, with serine, which is neutral and polar, at codon 62 of the ATP1A2 protein (p.Thr62Ser). This variant is not present in population databases (gnomAD no frequency). This variant has not been reported in the literature in individuals affected with ATP1A2-related conditions. Advanced modeling of protein sequence and biophysical properties (such as structural, functional, and spatial information, amino acid conservation, physicochemical variation, residue mobility, and thermodynamic stability) performed at Invitae indicates that this missense variant is not expected to disrupt ATP1A2 protein function. In summary, the available evidence is currently insufficient to determine the role of this variant in disease. Therefore, it has been classified as a Variant of Uncertain Significance.

NM_000702.4(ATP1A2):c.185C>G (p.Thr62Ser)

Gene: ATP1A2 (ATPase Na+/K+ transporting subunit alpha 2; plus strand). Cytogenetic location: 1q23.2.
Variant type: single nucleotide variant.
Coding change: c.185C>G on transcript NM_000702.4 (MANE Select); coding-DNA position 185, C replaced by G.
Protein change: p.Thr62Ser; replaces threonine 62 with serine.
Molecular consequence: missense variant.
Genome position (GRCh38, 1-based): chr1:160,123,220, C>G. VCF-style: chr1-160123220-C-G. GRCh37 (hg19) VCF-style: chr1-160093010-C-G.
Other names: short protein forms T62S.
Identifiers: ClinVar variation 2081164 (VCV002081164.4), dbSNP rs1651474954, ClinGen allele CA343230302.